The following is an entry in ClinVar:

ClinVar aggregate classification (germline): Uncertain significance (1 of 4 stars; one submission).

Allele frequency attached by ClinVar (database versions not stated): ExAC 0.00001; gnomAD exomes 0.00001; gnomAD 0.00002.
gnomAD v4.1: 18 of 1,598,626 alleles (0.0011%); highest among the groups gnomAD compares: Non-Finnish European, 0.0015%; no homozygotes.

Submission:

Labcorp Genetics (formerly Invitae), Labcorp
Classification: Uncertain significance. Last evaluated: 2022-03-25. Review status: criteria provided, single submitter. Criteria: Invitae Variant Classification Sherloc (09022015). Collection method: clinical testing. Allele origin: germline.
Comment: This variant has not been reported in the literature in individuals affected with PEX3-related conditions. Algorithms developed to predict the effect of missense changes on protein structure and function (SIFT, PolyPhen-2, Align-GVGD) all suggest that this variant is likely to be tolerated. In summary, the available evidence is currently insufficient to determine the role of this variant in disease. Therefore, it has been classified as a Variant of Uncertain Significance. This variant is present in population databases (rs769768128, gnomAD 0.004%). This sequence change replaces methionine, which is neutral and non-polar, with threonine, which is neutral and polar, at codon 295 of the PEX3 protein (p.Met295Thr).

NM_003630.3(PEX3):c.884T>C (p.Met295Thr)

Gene: PEX3 (peroxisomal biogenesis factor 3; plus strand). Cytogenetic location: 6q24.2.
Variant type: single nucleotide variant.
Coding change: c.884T>C on transcript NM_003630.3 (MANE Select); coding-DNA position 884, T replaced by C.
Protein change: p.Met295Thr; replaces methionine 295 with threonine.
Molecular consequence: missense variant.
Genome position (GRCh38, 1-based): chr6:143,479,141, T>C. VCF-style: chr6-143479141-T-C. GRCh37 (hg19) VCF-style: chr6-143800278-T-C.
Other names: short protein forms M295T.
Identifiers: ClinVar variation 2091807 (VCV002091807.3), dbSNP rs769768128, ClinGen allele CA4029698.